The following is an entry in ClinVar:

NM_021942.6(TRAPPC11):c.2768G>C (p.Trp923Ser)

Gene: TRAPPC11 (trafficking protein particle complex subunit 11; plus strand). Cytogenetic location: 4q35.1.
Variant type: single nucleotide variant.
Coding change: c.2768G>C on transcript NM_021942.6 (MANE Select); coding-DNA position 2768, G replaced by C.
Protein change: p.Trp923Ser; replaces tryptophan 923 with serine.
Molecular consequence: missense variant.
Genome position (GRCh38, 1-based): chr4:183,697,752, G>C. VCF-style: chr4-183697752-G-C. GRCh37 (hg19) VCF-style: chr4-184618905-G-C.
Other names: c.2768G>C, p.Trp923Ser (NM_199053.3); short protein forms W923S.
Identifiers: ClinVar variation 641381 (VCV000641381.9), dbSNP rs1579213399, ClinGen allele CA358873220.

ClinVar aggregate classification (germline): Uncertain significance (1 of 4 stars; one submission).

Conditions:
Autosomal recessive limb-girdle muscular dystrophy type R18 (LGMDR18). Also called: Limb-girdle muscular dystrophy, type 2S; MUSCULAR DYSTROPHY, LIMB-GIRDLE, AUTOSOMAL RECESSIVE 18; Autosomal recessive limb-girdle muscular dystrophy type 2S. Identifiers: Orphanet 369840, MedGen C4517996, MONDO:0014144, OMIM 615356.

gnomAD v4.1: 12 of 1,614,074 alleles (0.00074%); highest among the groups gnomAD compares: East Asian, 0.027%; no homozygotes.

Submission:

Labcorp Genetics (formerly Invitae), Labcorp
Classification: Uncertain significance for Autosomal recessive limb-girdle muscular dystrophy type R18. Last evaluated: 2018-09-06. Review status: criteria provided, single submitter. Criteria: Invitae Variant Classification Sherloc (09022015). Collection method: clinical testing. Allele origin: germline.
Comment: This sequence change replaces tryptophan with serine at codon 923 of the TRAPPC11 protein (p.Trp923Ser). The tryptophan residue is moderately conserved and there is a large physicochemical difference between tryptophan and serine. This variant is not present in population databases (ExAC no frequency). This variant has not been reported in the literature in individuals with TRAPPC11-related disease. Algorithms developed to predict the effect of missense changes on protein structure and function are either unavailable or do not agree on the potential impact of this missense change (SIFT: "Tolerated"; PolyPhen-2: "Possibly Damaging"; Align-GVGD: "Class C0"). In summary, the available evidence is currently insufficient to determine the role of this variant in disease. Therefore, it has been classified as a Variant of Uncertain Significance.